The following is an entry in ClinVar:

NM_022124.6(CDH23):c.3523G>A (p.Val1175Met)

Genes: C10orf105 (chromosome 10 open reading frame 105; minus strand), CDH23 (cadherin related 23; plus strand). Cytogenetic location: 10q22.1.
Variant type: single nucleotide variant.
Coding change: c.3523G>A on transcript NM_022124.6 (MANE Select); coding-DNA position 3523, G replaced by A.
Protein change: p.Val1175Met; replaces valine 1175 with methionine.
Molecular consequence: missense variant. On other transcripts: intron variant (1).
Genome position (GRCh38, 1-based): chr10:71,725,464, G>A. VCF-style: chr10-71725464-G-A. GRCh37 (hg19) VCF-style: chr10-73485221-G-A.
Other names: c.3523G>A, p.Val1175Met (NM_001171930.2); c.-5-9122C>T (NM_001168390.2); short protein forms V1175M.
Identifiers: ClinVar variation 1061757 (VCV001061757.7), dbSNP rs763379895, ClinGen allele CA5544754.
Genomic context (GRCh38, chr10:71,725,464, plus strand): 5'-AGCAATGGGCTCCTGATGCGAGGGCCCCGGCCCCTGGACCGGGAGCGGAACTCATCCCAC[G>A]TGCTGATAGTGGAGGCCTACAACCACGACCTGGGCCCCATGCGGAGCTCCGTCAGGGTGA-3'
Protein context (NP_071407.4, residues 1165-1185): PLDRERNSSH[Val1175Met]LIVEAYNHDL

ClinVar aggregate classification (germline): Uncertain significance. Review status: criteria provided, multiple submitters, no conflicts (2 of 4 stars). 3 submissions from 3 submitters: Uncertain significance (2). 1 of the submissions does not count toward it. Last evaluated 2022-02-14.

Conditions:
Usher syndrome type 1 (USH1). Also called: RETINITIS PIGMENTOSA AND CONGENITAL DEAFNESS. Identifiers: Orphanet 231169, Orphanet 886, MedGen C1568247, MONDO:0010168, OMIM 276900.

Allele frequency attached by ClinVar (database versions not stated): TOPMed 0.00003; gnomAD 0.00002 and 0.00003.
gnomAD v4.1: 16 of 1,613,880 alleles (0.00099%); highest among the groups gnomAD compares: South Asian, 0.0055%; no homozygotes.

Submissions (3):

Labcorp Genetics (formerly Invitae), Labcorp
Classification: Uncertain significance. Last evaluated: 2022-02-14. Review status: criteria provided, single submitter. Criteria: Invitae Variant Classification Sherloc (09022015). Collection method: clinical testing. Allele origin: germline.
Comment: This sequence change replaces valine, which is neutral and non-polar, with methionine, which is neutral and non-polar, at codon 1175 of the CDH23 protein (p.Val1175Met). The frequency data for this variant in the population databases is considered unreliable, as metrics indicate poor data quality at this position in the gnomAD database. This variant has not been reported in the literature in individuals affected with CDH23-related conditions. ClinVar contains an entry for this variant (Variation ID: 1061757). Algorithms developed to predict the effect of missense changes on protein structure and function are either unavailable or do not agree on the potential impact of this missense change (SIFT: "Deleterious"; PolyPhen-2: "Not Available"; Align-GVGD: "Class C15"). In summary, the available evidence is currently insufficient to determine the role of this variant in disease. Therefore, it has been classified as a Variant of Uncertain Significance.

Revvity Omics, Revvity
Classification: Uncertain significance. Last evaluated: 2020-03-09. Review status: criteria provided, single submitter. Criteria: ACMG Guidelines, 2015. Collection method: clinical testing. Allele origin: germline.

Natera, Inc.
Classification: Uncertain significance for Usher syndrome type 1. Last evaluated: 2020-05-27. Review status: no assertion criteria provided. Collection method: clinical testing. Allele origin: germline. Not counted in ClinVar's aggregate classification.